The following is an entry in ClinVar:

NM_000288.4(PEX7):c.526+126T>C

Gene: PEX7 (peroxisomal biogenesis factor 7; plus strand). Cytogenetic location: 6q23.3.
Variant type: single nucleotide variant.
Coding change: c.526+126T>C on transcript NM_000288.4 (MANE Select); 126 bases into the intron after coding-DNA position 526, T replaced by C.
Molecular consequence: intron variant.
Genome position (GRCh38, 1-based): chr6:136,846,307, T>C. VCF-style: chr6-136846307-T-C. GRCh37 (hg19) VCF-style: chr6-137167445-T-C.
Identifiers: ClinVar variation 667823 (VCV000667823.1), dbSNP rs9321575, ClinGen allele CA12378151.

ClinVar aggregate classification (germline): Benign (1 of 4 stars; one submission).

Allele frequency attached by ClinVar (database versions not stated): gnomAD exomes 0.62457; 1000 Genomes Project 0.62979; 1000 Genomes Project 30x 0.63007; gnomAD 0.63985 and 0.64139; TOPMed 0.64127.
gnomAD v4.1: 308,675 of 490,830 alleles (63%); highest among the groups gnomAD compares: African/African-American, 70%; 97,248 homozygotes.

Submission:

GeneDx
Classification: Benign. Last evaluated: 2018-06-14. Review status: criteria provided, single submitter. Criteria: GeneDx Variant Classification (06012015). Collection method: clinical testing. Allele origin: germline. Affected: yes.
Comment: This variant is considered likely benign or benign based on one or more of the following criteria: it is a conservative change, it occurs at a poorly conserved position in the protein, it is predicted to be benign by multiple in silico algorithms, and/or has population frequency not consistent with disease.